The following is an entry in ClinVar:

ClinVar aggregate classification (germline): Uncertain significance (1 of 4 stars; one submission).

Allele frequency attached by ClinVar (database versions not stated): 1000 Genomes Project 30x 0.00031; gnomAD exomes below 0.00001; gnomAD 0.00003 and 0.00004; 1000 Genomes Project 0.00040; TOPMed 0.00001.
gnomAD v4.1: 7 of 434,450 alleles (0.0016%); highest among the groups gnomAD compares: African/African-American, 0.0099%; no homozygotes.

Submission:

GeneDx
Classification: Uncertain significance. Last evaluated: 2015-04-27. Review status: criteria provided, single submitter. Criteria: GeneDx Variant Classification (06012015). Collection method: clinical testing. Allele origin: germline. Affected: yes.
Comment: This variant is denoted CHEK2 c.-8C>T, and describes a nucleotide substitution 8 base pairs upstream of the CHEK2 ATG translational start site in the 5' untranslated region (UTR). The surrounding sequence, with the base that is substituted in braces, is CACG[C/T]GGTG. This variant does not appear to affect the start codon or the Kozak translational consensus sequence. This variant has not been published, to our knowledge. This variant was not observed at a significant allele frequency in the 1000 Genomes database and occurs at a position that is not conserved across species. At this time, we consider CHEK2 c.-8C>T to be a variant of uncertain significance.

NM_007194.4(CHEK2):c.-8C>T

Gene: CHEK2 (checkpoint kinase 2; minus strand). Cytogenetic location: 22q12.1.
Variant type: single nucleotide variant.
Coding change: c.-8C>T on transcript NM_007194.4 (MANE Select); 8 bases upstream of the start codon, C replaced by T.
Molecular consequence: 5 prime UTR variant.
Genome position (GRCh38, 1-based): chr22:28,741,770, G>A on the plus strand (C>T on the coding strand, the complement: CHEK2 is on the minus strand). VCF-style: chr22-28741770-G-A. GRCh37 (hg19) VCF-style: chr22-29137758-G-A.
Other names: c.-8C>T (NM_001005735.3, NM_001349956.3, NM_145862.3); c.-785C>T (NM_001257387.3).
Identifiers: ClinVar variation 418954 (VCV000418954.2), dbSNP rs539227672, ClinGen allele CA16621092.
Genomic context (GRCh38, chr22:28,741,770, plus strand): 5'-ACGCTTAAGATGGGATTCGAACCACCAAACACCCAACAGAAGTTCCCCATATGACTCACC[G>A]CGTGAGCCCACCTGGAGCCGCACACTCTCCGCAGCCTCAGCCAGCAGAGTGGCGCTAAAC-3'